The following is an entry in ClinVar:

ClinVar aggregate classification (germline): Uncertain significance. Review status: criteria provided, multiple submitters, no conflicts (2 of 4 stars). 2 submissions from 2 submitters: Uncertain significance (2). Last evaluated 2026-08-18.

Conditions:
Inborn genetic diseases. Identifiers: MedGen C0950123, MeSH D030342.

Submissions (2):

Ambry Genetics
Classification: Uncertain significance for Inborn genetic diseases. Last evaluated: 2026-08-18. Review status: criteria provided, single submitter. Criteria: Ambry Variant Classification Scheme 2023. Collection method: clinical testing. Allele origin: germline.

GeneDx
Classification: Uncertain significance. Last evaluated: 2022-04-13. Review status: criteria provided, single submitter. Criteria: GeneDx Variant Classification Process June 2021. Collection method: clinical testing. Allele origin: germline. Affected: yes.
Comment: Not observed at significant frequency in large population cohorts (gnomAD); In silico analysis supports that this missense variant does not alter protein structure/function; Has not been previously published as pathogenic or benign to our knowledge

NM_001368397.1(FRMPD4):c.2681C>T (p.Ala894Val)

Gene: FRMPD4 (FERM and PDZ domain containing 4; plus strand). Cytogenetic location: Xp22.2.
Variant type: single nucleotide variant.
Coding change: c.2681C>T on transcript NM_001368397.1 (MANE Select); coding-DNA position 2681, C replaced by T.
Protein change: p.Ala894Val; replaces alanine 894 with valine.
Molecular consequence: missense variant.
Genome position (GRCh38, 1-based): chrX:12,717,507, C>T. VCF-style: chrX-12717507-C-T. GRCh37 (hg19) VCF-style: chrX-12735626-C-T.
Other names: c.2792C>T, p.Ala931Val (NM_001368395.3, NM_001368398.3); c.2687C>T, p.Ala896Val (NM_001368396.3); c.2672C>T, p.Ala891Val (NM_001368399.3); c.2561C>T, p.Ala854Val (NM_001368400.3); c.2657C>T, p.Ala886Val (NM_001368401.1, NM_001368402.3); c.2681C>T, p.Ala894Val (NM_014728.3); short protein forms A854V, A886V, A891V, A894V, A896V, A931V.
Identifiers: ClinVar variation 1710569 (VCV001710569.3), dbSNP rs2519856408, ClinGen allele CA412314140.